The following is an entry in ClinVar:

ClinVar aggregate classification (germline): Benign (0 of 4 stars; one submission).

Conditions:
VARS1-related disorder. Also called: VARS1-related condition.

Allele frequency attached by ClinVar (database versions not stated): gnomAD 0.00074; TOPMed 0.00096; ExAC 0.00224; 1000 Genomes Project 30x 0.00234; 1000 Genomes Project 0.00260.

Submission:

PreventionGenetics, part of Exact Sciences
Classification: Benign for VARS1-related condition. Last evaluated: 2019-12-13. Review status: no assertion criteria provided. Collection method: clinical testing. Allele origin: germline.
Comment: This variant is classified as benign based on ACMG/AMP sequence variant interpretation guidelines (Richards et al. 2015 PMID: 25741868, with internal and published modifications).

NM_006295.3(VARS1):c.3649C>T (p.Arg1217Cys)

Gene: VARS1 (valyl-tRNA synthetase 1; minus strand). Cytogenetic location: 6p21.33.
Variant type: single nucleotide variant.
Coding change: c.3649C>T on transcript NM_006295.3 (MANE Select); coding-DNA position 3649, C replaced by T.
Protein change: p.Arg1217Cys; replaces arginine 1217 with cysteine.
Molecular consequence: missense variant.
Genome position (GRCh38, 1-based): chr6:31,779,044, G>A on the plus strand (C>T on the coding strand, the complement: VARS1 is on the minus strand). VCF-style: chr6-31779044-G-A. GRCh37 (hg19) VCF-style: chr6-31746821-G-A.
Other names: short protein forms R1217C.
Identifiers: ClinVar variation 3045730 (VCV003045730.2), dbSNP rs181542871, ClinGen allele CA3722621.
Genomic context (GRCh38, chr6:31,779,044, plus strand): 5'-CCTGGACTTCGAGCGGCACCTTGACAGGATAGCCCGAGGCAGCACGGCGTTCCCGCAGAC[G>A]CTGGGCCTGCCGCTGGGCCTCAACTCGCTTGGCTTGCAGCTTGCCCAGCTCCCGTGCAGG-3'
Protein context (NP_006286.1, residues 1207-1227): KRVEAQRQAQ[Arg1217Cys]LRERRAASGY